The following is an entry in ClinVar:

NM_206933.4(USH2A):c.8798C>A (p.Ala2933Glu)

Gene: USH2A (usherin; minus strand). Cytogenetic location: 1q41.
Variant type: single nucleotide variant.
Coding change: c.8798C>A on transcript NM_206933.4 (MANE Select); coding-DNA position 8798, C replaced by A.
Protein change: p.Ala2933Glu; replaces alanine 2933 with glutamic acid.
Molecular consequence: missense variant.
Genome position (GRCh38, 1-based): chr1:215,867,054, G>T on the plus strand (C>A on the coding strand, the complement: USH2A is on the minus strand). VCF-style: chr1-215867054-G-T. GRCh37 (hg19) VCF-style: chr1-216040396-G-T.
Other names: short protein forms A2933E.
Identifiers: ClinVar variation 1009110 (VCV001009110.3), dbSNP rs780358747, ClinGen allele CA1394504.

ClinVar aggregate classification (germline): Uncertain significance. Review status: criteria provided, single submitter (1 of 4 stars). 2 submissions from 2 submitters: Uncertain significance (1). 1 of the submissions does not count toward it. Last evaluated 2021-09-02.

Conditions:
Usher syndrome type 2A. Also called: RETINAL DISEASE IN USHER SYNDROME TYPE IIA, MODIFIER OF; USHER SYNDROME, TYPE IIA. Identifiers: Orphanet 231178, Orphanet 886, MedGen C1848634, MONDO:0010169, OMIM 276901.

gnomAD v4.1: 1 of 1,614,142 alleles (0.000062%); highest among the groups gnomAD compares: South Asian, 0.0011%; no homozygotes.

Submissions (2):

Labcorp Genetics (formerly Invitae), Labcorp
Classification: Uncertain significance. Last evaluated: 2021-09-02. Review status: criteria provided, single submitter. Criteria: Invitae Variant Classification Sherloc (09022015). Collection method: clinical testing. Allele origin: germline.
Comment: This sequence change replaces alanine with glutamic acid at codon 2933 of the USH2A protein (p.Ala2933Glu). The alanine residue is highly conserved and there is a moderate physicochemical difference between alanine and glutamic acid. This variant is present in population databases (rs780358747, ExAC 0.006%). This variant has not been reported in the literature in individuals affected with USH2A-related conditions. Algorithms developed to predict the effect of missense changes on protein structure and function are either unavailable or do not agree on the potential impact of this missense change (SIFT: "Deleterious"; PolyPhen-2: "Possibly Damaging"; Align-GVGD: "Class C15"). In summary, the available evidence is currently insufficient to determine the role of this variant in disease. Therefore, it has been classified as a Variant of Uncertain Significance.

Natera, Inc.
Classification: Uncertain significance for Usher syndrome type 2A. Last evaluated: 2019-11-06. Review status: no assertion criteria provided. Collection method: clinical testing. Allele origin: germline. Not counted in ClinVar's aggregate classification.